The following is an entry in ClinVar:

ClinVar aggregate classification (germline): Uncertain significance. Review status: criteria provided, multiple submitters, no conflicts (2 of 4 stars). 2 submissions from 2 submitters: Uncertain significance (2). Last evaluated 2025-07-30.

Conditions:
Alkaptonuria (AKU). Also called: HOMOGENTISIC ACID OXIDASE DEFICIENCY; Alcaptonuria; Alkaptonuric ochronosis; Homogentisic acidura. Identifiers: Orphanet 56, MedGen C0002066, MONDO:0008753, OMIM 203500.

gnomAD v4.1: 1 of 1,614,142 alleles (0.000062%); highest among the groups gnomAD compares: Non-Finnish European, 0.000085%; no homozygotes.

Submissions (2):

Women's Health and Genetics/Laboratory Corporation of America, LabCorp
Classification: Uncertain significance. Last evaluated: 2025-07-30. Review status: criteria provided, single submitter. Criteria: LabCorp Variant Classification Summary - May 2015. Collection method: clinical testing. Allele origin: germline.
Comment: Variant summary: HGD c.1115G>T (p.Gly372Val) results in a non-conservative amino acid change in the encoded protein sequence. Algorithms developed to predict the effect of missense changes on protein structure and function all suggest that this variant is likely to be disruptive. The variant was absent in 251258 control chromosomes. The available data on variant occurrences in the general population are insufficient to allow any conclusion about variant significance. To our knowledge, no occurrence of c.1115G>T in individuals affected with Alkaptonuria and no experimental evidence demonstrating its impact on protein function have been reported. ClinVar contains an entry for this variant (Variation ID: 902519). Based on the evidence outlined above, the variant was classified as uncertain significance.

Illumina Laboratory Services, Illumina
Classification: Uncertain significance for Alkaptonuria. Last evaluated: 2018-01-13. Review status: criteria provided, single submitter. Criteria: ICSL Variant Classification Criteria 13 December 2019. Collection method: clinical testing. Allele origin: germline.

NM_000187.4(HGD):c.1115G>T (p.Gly372Val)

Gene: HGD (homogentisate 1,2-dioxygenase; minus strand). Cytogenetic location: 3q13.33.
Variant type: single nucleotide variant.
Coding change: c.1115G>T on transcript NM_000187.4 (MANE Select); coding-DNA position 1115, G replaced by T.
Protein change: p.Gly372Val; replaces glycine 372 with valine.
Molecular consequence: missense variant.
Genome position (GRCh38, 1-based): chr3:120,633,220, C>A on the plus strand (G>T on the coding strand, the complement: HGD is on the minus strand). VCF-style: chr3-120633220-C-A. GRCh37 (hg19) VCF-style: chr3-120352067-C-A.
Other names: short protein forms G372V.
Identifiers: ClinVar variation 902519 (VCV000902519.5), dbSNP rs1940645751, ClinGen allele CA354072808.